The following is an entry in ClinVar:

NM_014908.4(DOLK):c.591_592dup (p.Leu198fs)

Gene: DOLK (dolichol kinase; minus strand). Cytogenetic location: 9q34.11.
Variant type: Duplication.
Coding change: c.591_592dup on transcript NM_014908.4 (MANE Select); coding-DNA positions 591 to 592, 2 bases duplicated (AT; older notation c.591_592dupAT).
Protein change: p.Leu198fs; shifts the reading frame from leucine 198.
Molecular consequence: frameshift variant.
Genome position (GRCh38, 1-based): chr9:128,946,712-128,946,713, AT duplicated on the plus strand (AT on the coding strand, the reverse complement: DOLK is on the minus strand); duplicating any 2 consecutive bases within chr9:128,946,712-128,946,714 gives the same sequence; the c. name uses the placement nearest the transcript's 3' end. VCF-style (leftmost placement, unchanged base first): chr9-128946711-A-AAT. GRCh37 (hg19) VCF-style: chr9-131708990-A-AAT.
Other names: short protein forms L198fs.
Identifiers: ClinVar variation 2100774 (VCV002100774.4), dbSNP rs2492004638, ClinGen allele CA2580079916.

ClinVar aggregate classification (germline): Uncertain significance (1 of 4 stars; one submission).

Conditions:
DK1-congenital disorder of glycosylation. Also called: CONGENITAL DISORDER OF GLYCOSYLATION, TYPE Im; DK1-CDG; DOLK-congenital disorder of glycosylation; Carbohydrate deficient glycoprotein syndrome type 1m; CDG Im; DK1 DEFICIENCY. Identifiers: Orphanet 91131, MedGen C1835849, MONDO:0012556, OMIM 610768.

Submission:

Labcorp Genetics (formerly Invitae), Labcorp
Classification: Uncertain significance for DK1-congenital disorder of glycosylation. Last evaluated: 2022-02-21. Review status: criteria provided, single submitter. Criteria: Invitae Variant Classification Sherloc (09022015). Collection method: clinical testing. Allele origin: germline.
Comment: In summary, the available evidence is currently insufficient to determine the role of this variant in disease. Therefore, it has been classified as a Variant of Uncertain Significance. This variant has not been reported in the literature in individuals affected with DOLK-related conditions. This variant is not present in population databases (gnomAD no frequency). This sequence change creates a premature translational stop signal (p.Leu198Tyrfs*17) in the DOLK gene. While this is not anticipated to result in nonsense mediated decay, it is expected to disrupt the last 341 amino acid(s) of the DOLK protein.